The following is an entry in ClinVar:

NM_014363.6(SACS):c.4276A>G (p.Ile1426Val)

Gene: SACS (sacsin molecular chaperone; minus strand). Cytogenetic location: 13q12.12.
Variant type: single nucleotide variant.
Coding change: c.4276A>G on transcript NM_014363.6 (MANE Select); coding-DNA position 4276, A replaced by G.
Protein change: p.Ile1426Val; replaces isoleucine 1426 with valine.
Molecular consequence: missense variant.
Genome position (GRCh38, 1-based): chr13:23,339,600, T>C on the plus strand (A>G on the coding strand, the complement: SACS is on the minus strand). VCF-style: chr13-23339600-T-C. GRCh37 (hg19) VCF-style: chr13-23913739-T-C.
Other names: c.4276A>G (NM_014363.4, NM_014363.5); c.3835A>G, p.Ile1279Val (NM_001278055.2); short protein forms I1279V, I1426V.
Identifiers: ClinVar variation 2157259 (VCV002157259.6), dbSNP rs771667607, ClinGen allele CA6911411.

ClinVar aggregate classification (germline): Conflicting classifications of pathogenicity. Review status: criteria provided, conflicting classifications (1 of 4 stars). 3 submissions from 3 submitters: Uncertain significance (2); Benign (1). Last evaluated 2025-12-26.

Conditions:
Spastic paraplegia. Identifiers: MedGen C0037772, HP:0001258.
SACS-related disorder. Also called: SACS-related condition.
Inborn genetic diseases. Identifiers: MedGen C0950123, MeSH D030342.

Allele frequency attached by ClinVar (database versions not stated): ExAC 0.00001; gnomAD exomes 0.00001; TOPMed 0.00005; gnomAD 0.00007.
gnomAD v4.1: 16 of 1,612,306 alleles (0.00099%); highest among the groups gnomAD compares: African/African-American, 0.017%; no homozygotes.

Submissions (3):

PreventionGenetics, part of Exact Sciences
Classification: Uncertain significance for SACS-related condition. Last evaluated: 2025-12-26. Review status: criteria provided, single submitter. Criteria: ACMG Guidelines, 2015. Collection method: clinical testing. Allele origin: germline.
Comment: The SACS c.4276A>G variant is predicted to result in the amino acid substitution p.Ile1426Val. To our knowledge, this variant has not been reported in the literature. This variant is reported in 0.020% of alleles in individuals of African descent in gnomAD. At this time, the clinical significance of this variant is uncertain due to the absence of conclusive functional and genetic evidence.

Labcorp Genetics (formerly Invitae), Labcorp
Classification: Benign for Spastic paraplegia. Last evaluated: 2023-10-22. Review status: criteria provided, single submitter. Criteria: Invitae Variant Classification Sherloc (09022015). Collection method: clinical testing. Allele origin: germline.

Ambry Genetics
Classification: Uncertain significance for Inborn genetic diseases. Last evaluated: 2021-10-20. Review status: criteria provided, single submitter. Criteria: Ambry Variant Classification Scheme 2023. Collection method: clinical testing. Allele origin: germline.